The following is an entry in ClinVar:

ClinVar aggregate classification (germline): Likely pathogenic (1 of 4 stars; one submission).

Conditions:
Immunodeficiency 33 (IMD33). Also called: Immunodeficiency without anhidrotic ectodermal dysplasia; X-linked mendelian susceptibility to mycobacterial diseases due to IKBKG deficiency. Identifiers: Orphanet 319605, Orphanet 319612, MedGen C1970879, MONDO:0010386, OMIM 300636.

Submission:

3billion
Classification: Likely pathogenic for Immunodeficiency 33. Last evaluated: 2022-01-03. Review status: criteria provided, single submitter. Criteria: ACMG Guidelines, 2015. Collection method: clinical testing. Allele origin: germline. Affected: yes. Observed: 1 heterozygote.
Comment: Frameshift: predicted to result in a loss or disruption of normal protein function through nonsense-mediated decay (NMD) or protein truncation. Multiple pathogenic variants are reported downstream of the variant (PVS1_VS). It is not observed in the gnomAD v2.1.1 dataset (PM2_M). Therefore, this variant is classified as likely pathogenic according to the recommendation of ACMG/AMP guideline.

NM_001099857.5(IKBKG):c.41_56dup (p.Pro20fs)

Gene: IKBKG (inhibitor of nuclear factor kappa B kinase regulatory subunit gamma; plus strand). Cytogenetic location: Xq28.
Variant type: Duplication.
Coding change: c.41_56dup on transcript NM_001099857.5 (MANE Select); coding-DNA positions 41 to 56, 16 bases duplicated (TGCAGCCCAGTGGTGG).
Protein change: p.Pro20fs; shifts the reading frame from proline 20.
Molecular consequence: frameshift variant. On other transcripts: non-coding transcript variant (1).
Genome position (GRCh38, 1-based): chrX:154,552,043-154,552,058, TGCAGCCCAGTGGTGG duplicated; duplicating any 16 consecutive bases within chrX:154,552,040-154,552,058 gives the same sequence; the c. name uses the placement nearest the transcript's 3' end. VCF-style (leftmost placement, unchanged base first): chrX-154552039-A-ATGGTGCAGCCCAGTGG. GRCh37 (hg19) VCF-style: chrX-153780254-A-ATGGTGCAGCCCAGTGG.
Other names: c.245_260dup, p.Pro88fs (NM_001099856.6); c.41_56dup, p.Pro20fs (NM_001145255.4, NM_001321396.3, NM_001321397.3 and 5 more transcripts); short protein forms P20fs, P88fs.
Identifiers: ClinVar variation 1333707 (VCV001333707.1), dbSNP rs2148368738, ClinGen allele CA2573055170.